The following is an entry in ClinVar:

NM_000275.3(OCA2):c.2060C>T (p.Ala687Val)

Gene: OCA2 (OCA2 melanosomal transmembrane protein; minus strand). Cytogenetic location: 15q13.1.
Variant type: single nucleotide variant.
Coding change: c.2060C>T on transcript NM_000275.3 (MANE Select); coding-DNA position 2060, C replaced by T.
Protein change: p.Ala687Val; replaces alanine 687 with valine.
Molecular consequence: missense variant.
Genome position (GRCh38, 1-based): chr15:27,926,146, G>A on the plus strand (C>T on the coding strand, the complement: OCA2 is on the minus strand). VCF-style: chr15-27926146-G-A. GRCh37 (hg19) VCF-style: chr15-28171292-G-A.
Other names: c.1988C>T, p.Ala663Val (NM_001300984.2); short protein forms A687V, A663V.
Identifiers: ClinVar variation 1478590 (VCV001478590.9), dbSNP rs773980859, ClinGen allele CA7438780.

ClinVar aggregate classification (germline): Uncertain significance. Review status: criteria provided, multiple submitters, no conflicts (2 of 4 stars). 3 submissions from 3 submitters: Uncertain significance (3). Last evaluated 2024-06-21.

Conditions:
Tyrosinase-positive oculocutaneous albinism (OCA2). Also called: Oculocutaneous albinism type 2; Albinism, oculocutaneous, type II; ALBINISM II. Identifiers: Orphanet 79432, MedGen C0268495, MONDO:0008746, OMIM 203200.

Allele frequency attached by ClinVar (database versions not stated): ExAC 0.00002; gnomAD 0.00002; gnomAD exomes 0.00005.
gnomAD v4.1: 44 of 1,613,904 alleles (0.0027%); highest among the groups gnomAD compares: Admixed American, 0.023%; no homozygotes.

Submissions (3):

Labcorp Genetics (formerly Invitae), Labcorp
Classification: Uncertain significance. Last evaluated: 2024-06-21. Review status: criteria provided, single submitter. Criteria: Invitae Variant Classification Sherloc (09022015). Collection method: clinical testing. Allele origin: germline.
Comment: This sequence change replaces alanine, which is neutral and non-polar, with valine, which is neutral and non-polar, at codon 687 of the OCA2 protein (p.Ala687Val). This variant is present in population databases (rs773980859, gnomAD 0.04%). This missense change has been observed in individual(s) with OCA2-related conditions and/or ocular albinism (PMID: 27734839; Invitae). ClinVar contains an entry for this variant (Variation ID: 1478590). Advanced modeling of protein sequence and biophysical properties (such as structural, functional, and spatial information, amino acid conservation, physicochemical variation, residue mobility, and thermodynamic stability) performed at Invitae indicates that this missense variant is not expected to disrupt OCA2 protein function with a negative predictive value of 80%. In summary, the available evidence is currently insufficient to determine the role of this variant in disease. Therefore, it has been classified as a Variant of Uncertain Significance.

Blueprint Genetics
Classification: Uncertain significance. Last evaluated: 2019-12-18. Review status: criteria provided, single submitter. Criteria: ACMG Guidelines, 2015. Collection method: clinical testing. Allele origin: germline.

Juno Genomics, Hangzhou Juno Genomics, Inc
Classification: Uncertain significance for Tyrosinase-positive oculocutaneous albinism. Review status: criteria provided, single submitter. Criteria: ACMG Guidelines, 2015. Collection method: clinical testing. Allele origin: germline.
Comment: Absent from controls (or at extremely low frequency if recessive) in Genome Aggregation Database.;Multiple lines of computational evidence support a deleterious effect on the gene or gene product.;Patient's phenotype or family history is highly specific for a disease with a single genetic etiology.

Literature cited by the submitters: PubMed 27734839 (cited by Labcorp Genetics (formerly Invitae), Labcorp).